The following is an entry in ClinVar:

ClinVar aggregate classification (germline): Uncertain significance. Review status: criteria provided, multiple submitters, no conflicts (2 of 4 stars). 2 submissions from 2 submitters: Uncertain significance (2). Last evaluated 2024-05-20.

Conditions:
Hereditary cancer-predisposing syndrome. Also called: Neoplastic Syndromes, Hereditary; Hereditary neoplastic syndrome; Tumor predisposition; Hereditary Cancer Syndrome. Identifiers: Orphanet 140162, MedGen C0027672, MeSH D009386, MONDO:0015356.

Submissions (2):

Ambry Genetics
Classification: Uncertain significance for Hereditary cancer-predisposing syndrome. Last evaluated: 2024-05-20. Review status: criteria provided, single submitter. Criteria: Ambry Variant Classification Scheme 2023. Collection method: clinical testing. Allele origin: germline.
Comment: The p.G91E variant (also known as c.272G>A), located in coding exon 1 of the STK11 gene, results from a G to A substitution at nucleotide position 272. The glycine at codon 91 is replaced by glutamic acid, an amino acid with similar properties. This amino acid position is highly conserved in available vertebrate species. In addition, the in silico prediction for this alteration is inconclusive. Based on the available evidence, the clinical significance of this variant remains unclear.

GeneDx
Classification: Uncertain significance. Last evaluated: 2023-04-06. Review status: criteria provided, single submitter. Criteria: GeneDx Variant Classification Process June 2021. Collection method: clinical testing. Allele origin: germline. Affected: yes.
Comment: Not observed at significant frequency in large population cohorts (gnomAD); In silico analysis supports that this missense variant has a deleterious effect on protein structure/function; Has not been previously published as pathogenic or benign to our knowledge; This variant is associated with the following publications: (PMID: 15863673)

NM_000455.5(STK11):c.272G>A (p.Gly91Glu)

Gene: STK11 (serine/threonine kinase 11; plus strand). Cytogenetic location: 19p13.3.
Variant type: single nucleotide variant.
Coding change: c.272G>A on transcript NM_000455.5 (MANE Select); coding-DNA position 272, G replaced by A.
Protein change: p.Gly91Glu; replaces glycine 91 with glutamic acid.
Molecular consequence: missense variant. On other transcripts: non-coding transcript variant (1).
Genome position (GRCh38, 1-based): chr19:1,207,185, G>A. VCF-style: chr19-1207185-G-A. GRCh37 (hg19) VCF-style: chr19-1207184-G-A.
Other names: c.272G>A, p.Gly91Glu (NM_001407255.1); short protein forms G91E.
Identifiers: ClinVar variation 2497976 (VCV002497976.2), dbSNP rs1359022760, ClinGen allele CA402944589.
Genomic context (GRCh38, chr19:1,207,185, plus strand): 5'-CGCTGTGCAGGAGGGCCGTCAAGATCCTCAAGAAGAAGAAGTTGCGAAGGATCCCCAACG[G>A]GGAGGCCAACGTGAAGAAGTAAGTATGGCTTGCTGGGGTCGGGGCCGGGCCGGGCCAGTC-3'
Protein context (NP_000446.1, residues 81-101): KKKKLRRIPN[Gly91Glu]EANVKKEIQL